The following is an entry in ClinVar:

ClinVar aggregate classification (germline): Uncertain significance (1 of 4 stars; one submission).

Conditions:
CEP290-related ciliopathy. Also called: CEP290 ciliopathy. Identifiers: MedGen CN305601, MONDO:0100451.

Submission:

Myriad Genetics, Inc.
Classification: Uncertain significance for CEP290-related ciliopathy. Last evaluated: 2025-08-07. Review status: criteria provided, single submitter. Criteria: Myriad Autosomal Dominant, Autosomal Recessive and X-Linked Classification Criteria (2023). Collection method: clinical testing. Allele origin: unknown.
Comment: NM_025114.3(CEP290):c.5866_5868delGAG(E1956del) is an in-frame deletion classified as a variant of uncertain significance in the context of CEP290-related disorders. E1956del has not been observed in cases with relevant disease. Relevant functional assessments of this variant are not available in the literature. E1956del has not been observed in referenced population frequency databases. In summary, there is insufficient evidence to classify NM_025114.3(CEP290):c.5866_5868delGAG(E1956del) as pathogenic or benign. Please note: this variant was assessed in the context of healthy population screening.

NM_025114.4(CEP290):c.5866_5868del (p.Glu1956del)

Gene: CEP290 (centrosomal protein 290; minus strand). Cytogenetic location: 12q21.32.
Variant type: Deletion.
Coding change: c.5866_5868del on transcript NM_025114.4 (MANE Select); coding-DNA positions 5866 to 5868, 3 bases deleted (GAG; older notation c.5866_5868delGAG).
Protein change: p.Glu1956del; deletes glutamic acid 1956.
Molecular consequence: inframe deletion.
Genome position (GRCh38, 1-based): chr12:88,071,437-88,071,439, CTC deleted on the plus strand (GAG on the coding strand, the reverse complement: CEP290 is on the minus strand). VCF-style (leftmost placement, unchanged base first): chr12-88071436-TCTC-T. GRCh37 (hg19) VCF-style: chr12-88465213-TCTC-T.
Other names: short protein forms E1956del.
Identifiers: ClinVar variation 5004116 (VCV005004116.1).